The following is an entry in ClinVar:

ClinVar aggregate classification (germline): Uncertain significance. Review status: criteria provided, multiple submitters, no conflicts (2 of 4 stars). 4 submissions from 4 submitters: Uncertain significance (3). 1 of the submissions does not count toward it. Last evaluated 2026-02-16.

Conditions:
Polycystic kidney disease, adult type (PKD1). Also called: POLYCYSTIC KIDNEY DISEASE, ADULT, TYPE I; Polycystic Kidney Disease 1, Autosomal Dominant; Polycystic kidney disease 1; Polycystic kidney disease 1, severe; Polycystic Kidney, Autosomal Dominant; POLYCYSTIC KIDNEY DISEASE 1 WITH OR WITHOUT POLYCYSTIC LIVER DISEASE. Identifiers: MedGen C3149841, MONDO:0008263, OMIM 173900.

Allele frequency attached by ClinVar (database versions not stated): TOPMed 0.00006; ESP Exome Variant Server 0.00023; ExAC 0.00004; gnomAD 0.00004; gnomAD exomes 0.00005.
gnomAD v4.1: 47 of 1,610,896 alleles (0.0029%); highest among the groups gnomAD compares: Admixed American, 0.0083%; no homozygotes.

Submissions (4):

Women's Health and Genetics/Laboratory Corporation of America, LabCorp
Classification: Uncertain significance. Last evaluated: 2026-02-16. Review status: criteria provided, single submitter. Criteria: LabCorp Variant Classification Summary - May 2015. Collection method: clinical testing. Allele origin: germline.
Comment: Variant summary: PKD1 c.4028C>T (p.Pro1343Leu) results in a non-conservative amino acid change located in the PKD domain (IPR000601) of the encoded protein sequence. Algorithms developed to predict the effect of missense changes on protein structure and function are either unavailable or do not agree on the potential impact of this missense change. The variant allele was found at a frequency of 4.9e-05 in 247134 control chromosomes. This frequency is not significantly higher than estimated for disease-causing variants in PKD1, allowing no conclusion about variant significance. c.4028C>T has been observed in individuals affected with Polycystic Kidney Disease (Brazdziunaite_2026). This report does not provide unequivocal conclusions about association of the variant with PKD1-related conditions. To our knowledge, no experimental evidence demonstrating an impact on protein function has been reported. The following publication has been ascertained in the context of this evaluation (PMID: 40760778). ClinVar contains an entry for this variant (Variation ID: 992458). Based on the evidence outlined above, the variant was classified as uncertain significance.

Fulgent Genetics
Classification: Uncertain significance for Polycystic kidney disease, adult type. Last evaluated: 2021-12-15. Review status: criteria provided, single submitter. Criteria: ACMG Guidelines, 2015. Collection method: clinical testing. Allele origin: unknown.

MGZ Medical Genetics Center
Classification: Uncertain significance for Polycystic kidney disease, adult type. Last evaluated: 2021-08-06. Review status: criteria provided, single submitter. Criteria: ACMG Guidelines, 2015. Collection method: clinical testing. Allele origin: germline. Affected: yes. Observed: 1 variant allele.
Comment: ACMG criteria applied: PP2, PP3

Bioscientia Institut fuer Medizinische Diagnostik GmbH, Sonic Healthcare
Classification: Uncertain significance for Polycystic kidney disease, adult type. Last evaluated: 2020-03-25. Review status: no assertion criteria provided. Collection method: clinical testing. Allele origin: germline. Affected: yes. Not counted in ClinVar's aggregate classification.

Literature cited by the submitters: PubMed 40760778 (cited by Women's Health and Genetics/Laboratory Corporation of America, LabCorp).

NM_001009944.3(PKD1):c.4028C>T (p.Pro1343Leu)

Gene: PKD1 (polycystin 1, transient receptor potential channel interacting; minus strand). Cytogenetic location: 16p13.3.
Variant type: single nucleotide variant.
Coding change: c.4028C>T on transcript NM_001009944.3 (MANE Select); coding-DNA position 4028, C replaced by T.
Protein change: p.Pro1343Leu; replaces proline 1343 with leucine.
Molecular consequence: missense variant.
Genome position (GRCh38, 1-based): chr16:2,111,139, G>A on the plus strand (C>T on the coding strand, the complement: PKD1 is on the minus strand). VCF-style: chr16-2111139-G-A. GRCh37 (hg19) VCF-style: chr16-2161140-G-A.
Other names: c.4028C>T, p.Pro1343Leu (NM_000296.4); short protein forms P1343L.
Identifiers: ClinVar variation 992458 (VCV000992458.7), dbSNP rs138096771, ClinGen allele CA7832523.